The following is an entry in ClinVar:

NM_020774.4(MIB1):c.1738G>C (p.Ala580Pro)

Gene: MIB1 (MIB E3 ubiquitin protein ligase 1; plus strand). Cytogenetic location: 18q11.2.
Variant type: single nucleotide variant.
Coding change: c.1738G>C on transcript NM_020774.4 (MANE Select); coding-DNA position 1738, G replaced by C.
Protein change: p.Ala580Pro; replaces alanine 580 with proline.
Molecular consequence: missense variant.
Genome position (GRCh38, 1-based): chr18:21,819,555, G>C. VCF-style: chr18-21819555-G-C. GRCh37 (hg19) VCF-style: chr18-19399516-G-C.
Other names: short protein forms A580P.
Identifiers: ClinVar variation 1779131 (VCV001779131.2), dbSNP rs1179661645, ClinGen allele CA401759513.
Genomic context (GRCh38, chr18:21,819,555, plus strand): 5'-GATTCTGAAGGTGATACCCCTCTTCATGATGCAATAAGTAAGAAACGTGATGATATCCTA[G>C]CAGTTCTTTTGGAAGCTGGAGCAGATGTTACCATCACAAACAATAATGGATTTAATGCTC-3'
Protein context (NP_065825.1, residues 570-590): AISKKRDDIL[Ala580Pro]VLLEAGADVT

ClinVar aggregate classification (germline): Uncertain significance (1 of 4 stars; one submission).

Conditions:
Inborn genetic diseases. Identifiers: MedGen C0950123, MeSH D030342.

Allele frequency attached by ClinVar (database versions not stated): gnomAD exomes below 0.00001.
gnomAD v4.1: 2 of 1,611,106 alleles (0.00012%); highest among the groups gnomAD compares: East Asian, 0.0022%; no homozygotes.

Submission:

Ambry Genetics
Classification: Uncertain significance for Inborn genetic diseases. Last evaluated: 2021-12-23. Review status: criteria provided, single submitter. Criteria: Ambry Variant Classification Scheme 2023. Collection method: clinical testing. Allele origin: germline.
Comment: The p.A580P variant (also known as c.1738G>C), located in coding exon 12 of the MIB1 gene, results from a G to C substitution at nucleotide position 1738. The alanine at codon 580 is replaced by proline, an amino acid with highly similar properties. This amino acid position is conserved. In addition, the in silico prediction for this alteration is inconclusive. Since supporting evidence is limited at this time, the clinical significance of this alteration remains unclear.